The following is an entry in ClinVar:

ClinVar aggregate classification (germline): Uncertain significance. Review status: criteria provided, multiple submitters, no conflicts (2 of 4 stars). 4 submissions from 4 submitters: Uncertain significance (4). Last evaluated 2026-01-25.

Conditions:
TECTA-related disorder. Also called: TECTA-related condition.

Submissions (4):

GeneDx
Classification: Uncertain significance. Last evaluated: 2026-01-25. Review status: criteria provided, single submitter. Criteria: GeneDx Variant Classification Process June 2021. Collection method: clinical testing. Allele origin: germline. Affected: yes.
Comment: Not observed at significant frequency in large population cohorts (gnomAD); In silico analysis suggests that this missense variant does not alter protein structure/function; Has not been previously published as pathogenic or benign to our knowledge; This variant is associated with the following publications: (PMID: 21520338, 9590290, 31554319)

Labcorp Genetics (formerly Invitae), Labcorp
Classification: Uncertain significance. Last evaluated: 2025-12-29. Review status: criteria provided, single submitter. Criteria: Invitae Variant Classification Sherloc (09022015). Collection method: clinical testing. Allele origin: germline.
Comment: This sequence change replaces glycine, which is neutral and non-polar, with cysteine, which is neutral and slightly polar, at codon 201 of the TECTA protein (p.Gly201Cys). This variant is not present in population databases (gnomAD no frequency). This variant has not been reported in the literature in individuals affected with TECTA-related conditions. ClinVar contains an entry for this variant (Variation ID: 165342). Invitae Evidence Modeling of protein sequence and biophysical properties (such as structural, functional, and spatial information, amino acid conservation, physicochemical variation, residue mobility, and thermodynamic stability) has been performed for this missense variant. However, the output from this modeling did not meet the statistical confidence thresholds required to predict the impact of this variant on TECTA protein function. In summary, the available evidence is currently insufficient to determine the role of this variant in disease. Therefore, it has been classified as a Variant of Uncertain Significance.

PreventionGenetics, part of Exact Sciences
Classification: Uncertain significance for TECTA-related condition. Last evaluated: 2025-06-04. Review status: criteria provided, single submitter. Criteria: ACMG Guidelines, 2015. Collection method: clinical testing. Allele origin: germline.
Comment: The TECTA c.601G>T variant is predicted to result in the amino acid substitution p.Gly201Cys. To our knowledge, this variant has not been reported in the literature or in a large population database (gnomAD), indicating this variant is rare. At this time, the clinical significance of this variant is uncertain due to the absence of conclusive functional and genetic evidence.

Laboratory for Molecular Medicine, Mass General Brigham Personalized Medicine
Classification: Uncertain significance. Last evaluated: 2013-06-25. Review status: criteria provided, single submitter. Criteria: LMM Criteria. Collection method: clinical testing. Allele origin: germline. Observed: 1 variant allele.
Comment: The Gly201Cys variant in TECTA has not been reported in individuals with hearing loss or in large population studies. Computational analyses (biochemical amino acid properties, conservation, PolyPhen2, and SIFT) suggest that the variant may impact the protein; however, this information alone is not sufficient to determ ine pathogenicity. In summary, additional information is needed to determine the clinical significance of this variant.

NM_005422.4(TECTA):c.601G>T (p.Gly201Cys)

Genes: TBCEL-TECTA (TBCEL-TECTA readthrough; plus strand), TECTA (tectorin alpha; plus strand). Cytogenetic location: 11q23.3.
Variant type: single nucleotide variant.
Coding change: c.601G>T on transcript NM_005422.4 (MANE Select); coding-DNA position 601, G replaced by T.
Protein change: p.Gly201Cys; replaces glycine 201 with cysteine.
Molecular consequence: missense variant.
Genome position (GRCh38, 1-based): chr11:121,113,186, G>T. VCF-style: chr11-121113186-G-T. GRCh37 (hg19) VCF-style: chr11-120983895-G-T.
Other names: c.1558G>T, p.Gly520Cys (NM_001378761.1); short protein forms G201C, G520C.
Identifiers: ClinVar variation 165342 (VCV000165342.16), dbSNP rs727503456, ClinGen allele CA178081.
Genomic context (GRCh38, chr11:121,113,186, plus strand): 5'-TTCAATTATTACGAAATCAACTGGACCACGGGGACGGCGAGTGGCGGCGACCCCCTGACA[G>T]GTCTTGGTGGAGTGATGGCACAGGTAGGTGGCTCTCCACTTCATCCCCCGCGTGTTTCCG-3'
Protein context (NP_005413.2, residues 191-211): GTASGGDPLT[Gly201Cys]LGGVMAQAGF